The following is an entry in ClinVar:

NM_017777.4(MKS1):c.1185T>C (p.Pro395=)

Gene: MKS1 (MKS transition zone complex subunit 1; minus strand). Cytogenetic location: 17q22.
Variant type: single nucleotide variant.
Coding change: c.1185T>C on transcript NM_017777.4 (MANE Select); coding-DNA position 1185, T replaced by C.
Protein change: p.Pro395=; no amino-acid change (proline 395 retained).
Molecular consequence: synonymous variant.
Genome position (GRCh38, 1-based): chr17:58,207,982, A>G on the plus strand (T>C on the coding strand, the complement: MKS1 is on the minus strand). VCF-style: chr17-58207982-A-G. GRCh37 (hg19) VCF-style: chr17-56285343-A-G.
Other names: c.576T>C, p.Pro192= (NM_001321268.2); c.1185T>C, p.Pro395= (NM_001321269.2, NM_001330397.2, NM_001411113.1).
Identifiers: ClinVar variation 2093205 (VCV002093205.5), dbSNP rs2509412043, ClinGen allele CA501324703.
Genomic context (GRCh38, chr17:58,207,982, plus strand): 5'-ATAGCCTTCCACACGGTACCTCTGCCAGAAGTCCAGCGAGAGGACCTCACAGTAGAGCAC[A>G]GGCCACTCCGGGAGTGCATCTGGGAGCAAGGAGAGAAGCGGCCAGGTCACAGGCGGCCTT-3'
Protein context (NP_060247.2, residues 385-405): DESSDALPEW[Pro395=]VLYCEVLSLD

ClinVar aggregate classification (germline): Likely benign. Review status: criteria provided, multiple submitters, no conflicts (2 of 4 stars). 2 submissions from 2 submitters: Likely benign (2). Last evaluated 2026-05-18.

Conditions:
MKS1-related disorder. Also called: MKS1-related condition; MKS1-related disorders. Identifiers: MedGen CN239382.
Joubert syndrome. Also called: JOUBERT-BOLTSHAUSER SYNDROME; Familial aplasia of the vermis. Identifiers: Orphanet 475, MedGen C5979921, MONDO:0018772.
Meckel-Gruber syndrome. Also called: DYSENCEPHALIA SPLANCHNOCYSTICA; GRUBER SYNDROME; Dysencephalia splachnocystica. Identifiers: Orphanet 564, MedGen C0265215, MONDO:0018921.

Submissions (2):

PreventionGenetics, part of Exact Sciences
Classification: Likely benign for MKS1-related condition. Last evaluated: 2026-05-18. Review status: criteria provided, single submitter. Criteria: ACMG Guidelines, 2015. Collection method: clinical testing. Allele origin: germline.
Comment: This variant is classified as likely benign based on ACMG/AMP sequence variant interpretation guidelines (Richards et al. 2015 PMID: 25741868, with internal and published modifications).

Labcorp Genetics (formerly Invitae), Labcorp
Classification: Likely benign for Joubert syndrome; Meckel-Gruber syndrome. Last evaluated: 2023-07-25. Review status: criteria provided, single submitter. Criteria: Invitae Variant Classification Sherloc (09022015). Collection method: clinical testing. Allele origin: germline.